The following is an entry in ClinVar:

NC_000023.10:g.(?_135288592)_(135292184_?)dup

Gene: FHL1 (four and a half LIM domains 1; plus strand). Cytogenetic location: Xq26.3.
Variant type: Duplication.
Identifiers: ClinVar variation 1399870 (VCV001399870.1).

ClinVar aggregate classification (germline): Uncertain significance (1 of 4 stars; one submission).

Conditions:
X-linked myopathy with postural muscle atrophy. Also called: FHL1-Related Emery-Dreifuss Muscular Dystrophy, X-Linked. Identifiers: Orphanet 178461, MedGen C2678055, MONDO:0010401, OMIM 300696.

Submission:

Labcorp Genetics (formerly Invitae), Labcorp
Classification: Uncertain significance for X-linked myopathy with postural muscle atrophy. Last evaluated: 2021-06-22. Review status: criteria provided, single submitter. Criteria: Invitae Variant Classification Sherloc (09022015). Collection method: clinical testing. Allele origin: germline.
Comment: A copy number gain of the genomic region encompassing the full coding sequence of the FHL1 gene has been identified. The boundaries of this event are unknown as they extend beyond the assayed region for this gene and therefore may encompass additional genes. As the precise location of this event is unknown, it may be in tandem or it may be located elsewhere in the genome. This variant has not been reported in the literature in individuals affected with FHL1-related conditions. In summary, the available evidence is currently insufficient to determine the role of this variant in disease. Therefore, it has been classified as a Variant of Uncertain Significance.